The following is an entry in ClinVar:

NM_004168.4(SDHA):c.723C>T (p.Asp241=)

Gene: SDHA (succinate dehydrogenase complex flavoprotein subunit A; plus strand). Cytogenetic location: 5p15.33.
Variant type: single nucleotide variant.
Coding change: c.723C>T on transcript NM_004168.4 (MANE Select); coding-DNA position 723, C replaced by T.
Protein change: p.Asp241=; no amino-acid change (aspartic acid 241 retained).
Molecular consequence: synonymous variant.
Genome position (GRCh38, 1-based): chr5:228,286, C>T. VCF-style: chr5-228286-C-T. GRCh37 (hg19) VCF-style: chr5-228401-C-T.
Other names: p.Asp241=; c.579C>T, p.Asp193= (NM_001294332.2); c.723C>T, p.Asp241= (NM_001330758.2).
Identifiers: ClinVar variation 353203 (VCV000353203.71), dbSNP rs146653693, ClinGen allele CA3172951.

ClinVar aggregate classification (germline): Conflicting classifications of pathogenicity. Review status: criteria provided, conflicting classifications (1 of 4 stars). 20 submissions from 18 submitters: Uncertain significance (2); Benign (5); Likely benign (8). 5 of the submissions do not count toward it. Last evaluated 2026-05-01.

Conditions:
Mitochondrial complex II deficiency, nuclear type 1. Also called: SUCCINATE CoQ REDUCTASE DEFICIENCY. Identifiers: Orphanet 3208, MedGen C5700310, MONDO:0100294, OMIM 252011.
Pheochromocytoma/paraganglioma syndrome 5. Also called: SDHA-Related Hereditary Paraganglioma-Pheochromocytoma Syndrome; Paragangliomas 5. Identifiers: Orphanet 29072, MedGen C3279992, MONDO:0013602, OMIM 614165.
Hereditary cancer-predisposing syndrome. Also called: Hereditary Cancer Syndrome; Tumor predisposition; Neoplastic Syndromes, Hereditary; Hereditary neoplastic syndrome. Identifiers: Orphanet 140162, MedGen C0027672, MeSH D009386, MONDO:0015356.
Hereditary pheochromocytoma and paraganglioma. Also called: Hereditary Paraganglioma-Pheochromocytoma Syndromes; Hereditary paragangliomas and pheochromocytomas; Hereditary pheochromocytoma-paraganglioma. Identifiers: Orphanet 29072, MedGen C4274332, MONDO:0017366.
Dilated cardiomyopathy 1GG (CMD1GG). Identifiers: Orphanet 154, MedGen C3150898, MONDO:0013339, OMIM 613642.
Neurodegeneration with ataxia and late-onset optic atrophy. Identifiers: MedGen C5543254, MONDO:0031006, OMIM 619259.
Leigh syndrome (NULS). Also called: Subacute necrotizing encephalopathy; Necrotizing encephalopathy infantile subacute of Leigh; LEIGH SYNDROME, NUCLEAR; Leigh's necrotizing encephalopathy; Leigh's disease; Leigh's syndrome. Identifiers: Orphanet 506, MedGen C2931891, MONDO:0009723, OMIM 256000.

Allele frequency attached by ClinVar (database versions not stated): TOPMed 0.00043; gnomAD exomes 0.00045; gnomAD 0.00046 and 0.00049; ExAC 0.00049; ESP Exome Variant Server 0.00092.
gnomAD v4.1: 1,201 of 1,613,656 alleles (0.074%); highest among the groups gnomAD compares: Non-Finnish European, 0.093%; no homozygotes.

Submissions (20):

CeGaT Center for Human Genetics Tuebingen
Classification: Likely benign. Last evaluated: 2026-05-01. Review status: criteria provided, single submitter. Criteria: CeGaT Center For Human Genetics Tuebingen Variant Classification Criteria Version 2. Collection method: clinical testing. Allele origin: germline. Affected: yes. Observed: 8 variant alleles.
Comment: SDHA: BP4, BP7

Labcorp Genetics (formerly Invitae), Labcorp
Classification: Benign for Pheochromocytoma/paraganglioma syndrome 5; Mitochondrial complex II deficiency, nuclear type 1. Last evaluated: 2026-02-03. Review status: criteria provided, single submitter. Criteria: Invitae Variant Classification Sherloc (09022015). Collection method: clinical testing. Allele origin: germline.

Mayo Clinic Laboratories, Mayo Clinic
Classification: Likely benign. Last evaluated: 2025-06-06. Review status: criteria provided, single submitter. Criteria: ACMG Guidelines, 2015. Collection method: clinical testing. Allele origin: germline. Observed: 2 variant alleles.
Comment: BP4, BP7

Myriad Genetics, Inc.
Classification: Benign for Pheochromocytoma/paraganglioma syndrome 5. Last evaluated: 2025-03-03. Review status: criteria provided, single submitter. Criteria: Myriad Autosomal Dominant, Autosomal Recessive and X-Linked Classification Criteria (2023). Collection method: clinical testing. Allele origin: unknown.
Comment: This variant is considered benign. This variant is a silent/synonymous amino acid change and it is not expected to impact splicing.

Blueprint Genetics
Classification: Likely benign. Last evaluated: 2024-10-23. Review status: criteria provided, single submitter. Criteria: ACMG Guidelines, 2015. Collection method: clinical testing. Allele origin: germline.

ARUP Laboratories, Molecular Genetics and Genomics, ARUP Laboratories
Classification: Likely benign. Last evaluated: 2023-12-07. Review status: criteria provided, single submitter. Criteria: ARUP Molecular Germline Variant Investigation Process 2024. Collection method: clinical testing. Allele origin: germline.

Department of Pathology and Laboratory Medicine, Sinai Health System
Classification: Likely benign for Mitochondrial complex II deficiency, nuclear type 1; Dilated cardiomyopathy 1GG; Pheochromocytoma/paraganglioma syndrome 5; Neurodegeneration with ataxia and late-onset optic atrophy. Last evaluated: 2023-04-28. Review status: criteria provided, single submitter. Criteria: ACMG Guidelines, 2015. Collection method: clinical testing. Allele origin: germline. Affected: yes.

Quest Diagnostics Nichols Institute San Juan Capistrano
Classification: Benign. Last evaluated: 2021-08-26. Review status: criteria provided, single submitter. Criteria: Quest Diagnostics criteria. Collection method: clinical testing. Allele origin: unknown.

Sema4
Classification: Benign for Hereditary cancer-predisposing syndrome. Last evaluated: 2020-10-15. Review status: criteria provided, single submitter. Criteria: Sema4 Curation Guidelines. Collection method: curation. Allele origin: germline.

GeneDx
Classification: Likely benign. Last evaluated: 2020-07-27. Review status: criteria provided, single submitter. Criteria: GeneDx Variant Classification Process June 2021. Collection method: clinical testing. Allele origin: germline. Affected: yes.

Genetic Services Laboratory, University of Chicago
Classification: Likely benign. Last evaluated: 2019-07-03. Review status: criteria provided, single submitter. Criteria: ACMG Guidelines, 2015. Collection method: clinical testing. Allele origin: germline. Affected: no.

Illumina Laboratory Services, Illumina
Classification: Uncertain significance for Mitochondrial complex II deficiency, nuclear type 1. Last evaluated: 2018-01-12. Review status: criteria provided, single submitter. Criteria: ICSL Variant Classification Criteria 13 December 2019. Collection method: clinical testing. Allele origin: germline.

Illumina Laboratory Services, Illumina
Classification: Uncertain significance for Leigh syndrome. Last evaluated: 2018-01-12. Review status: criteria provided, single submitter. Criteria: ICSL Variant Classification Criteria 13 December 2019. Collection method: clinical testing. Allele origin: germline.

Illumina Laboratory Services, Illumina
Classification: Benign for Hereditary Paraganglioma-Pheochromocytoma Syndromes. Last evaluated: 2018-01-12. Review status: criteria provided, single submitter. Criteria: ICSL Variant Classification Criteria 13 December 2019. Collection method: clinical testing. Allele origin: germline.
Comment: This variant was observed in the ICSL laboratory as part of a predisposition screen in an ostensibly healthy population. It had not been previously curated by ICSL or reported in the Human Gene Mutation Database (HGMD: prior to June 1st, 2018), and was therefore a candidate for classification through an automated scoring system. Utilizing variant allele frequency, disease prevalence and penetrance estimates, and inheritance mode, an automated score was calculated to assess if this variant is too frequent to cause the disease. Based on the score and internal cut-off values, a variant classified as benign is not then subjected to further curation. The score for this variant resulted in a classification of benign for this disease.

Ambry Genetics
Classification: Likely benign for Hereditary cancer-predisposing syndrome. Last evaluated: 2014-08-05. Review status: criteria provided, single submitter. Criteria: Ambry Variant Classification Scheme 2023. Collection method: clinical testing. Allele origin: germline.

Clinical Genetics DNA and cytogenetics Diagnostics Lab, Erasmus MC, Erasmus Medical Center
Classification: Likely benign. Review status: no assertion criteria provided. Collection method: clinical testing. Allele origin: germline. Affected: yes. Study: VKGL Data-share Consensus. Not counted in ClinVar's aggregate classification.

Diagnostic Laboratory, Department of Genetics, University Medical Center Groningen
Classification: Likely benign. Review status: no assertion criteria provided. Collection method: clinical testing. Allele origin: germline. Affected: yes. Study: VKGL Data-share Consensus. Not counted in ClinVar's aggregate classification.

Genome Diagnostics Laboratory, Amsterdam University Medical Center
Classification: Likely benign. Review status: no assertion criteria provided. Collection method: clinical testing. Allele origin: germline. Affected: yes. Study: VKGL Data-share Consensus. Not counted in ClinVar's aggregate classification.

Genome Diagnostics Laboratory, University Medical Center Utrecht
Classification: Likely benign. Review status: no assertion criteria provided. Collection method: clinical testing. Allele origin: germline. Affected: yes. Study: VKGL Data-share Consensus. Not counted in ClinVar's aggregate classification.

Joint Genome Diagnostic Labs from Nijmegen and Maastricht, Radboudumc and MUMC+
Classification: Likely benign. Review status: no assertion criteria provided. Collection method: clinical testing. Allele origin: germline. Affected: yes. Study: VKGL Data-share Consensus. Not counted in ClinVar's aggregate classification.